The following is an entry in ClinVar:

NM_003718.5(CDK13):c.2834C>T (p.Pro945Leu)

Gene: CDK13 (cyclin dependent kinase 13; plus strand). Cytogenetic location: 7p14.1.
Variant type: single nucleotide variant.
Coding change: c.2834C>T on transcript NM_003718.5 (MANE Select); coding-DNA position 2834, C replaced by T.
Protein change: p.Pro945Leu; replaces proline 945 with leucine.
Molecular consequence: missense variant.
Genome position (GRCh38, 1-based): chr7:40,078,058, C>T. VCF-style: chr7-40078058-C-T. GRCh37 (hg19) VCF-style: chr7-40117657-C-T.
Other names: c.2834C>T, p.Pro945Leu (NM_031267.4); short protein forms P945L.
Identifiers: ClinVar variation 3372785 (VCV003372785.1).
Genomic context (GRCh38, chr7:40,078,058, plus strand): 5'-TGCTTAGCCGAATATGTGGGAGTCCATGTCCTGCAGTGTGGCCTGATGTAATCAAACTAC[C>T]ATATTTCAACACCATGAAACCAAAGAAGCAATATCGTCGAAAGTTAAGAGAAGAATTTGT-3'
Protein context (NP_003709.3, residues 935-955): PAVWPDVIKL[Pro945Leu]YFNTMKPKKQ

ClinVar aggregate classification (germline): Uncertain significance (1 of 4 stars; one submission).

Submission:

GeneDx
Classification: Uncertain significance. Last evaluated: 2024-04-18. Review status: criteria provided, single submitter. Criteria: GeneDx Variant Classification Process June 2021. Collection method: clinical testing. Allele origin: germline. Affected: yes.
Comment: Not observed at significant frequency in large population cohorts (gnomAD); In silico analysis supports that this missense variant has a deleterious effect on protein structure/function; Has not been previously published as pathogenic or benign to our knowledge